The following is an entry in ClinVar:

NM_003482.4(KMT2D):c.3879C>T (p.Ser1293=)

Genes: KMT2D (lysine methyltransferase 2D; minus strand), LOC126861520 (CDK7 strongly-dependent group 2 enhancer GRCh37_chr12:49442744-49443943; plus strand). Cytogenetic location: 12q13.12.
Variant type: single nucleotide variant.
Coding change: c.3879C>T on transcript NM_003482.4 (MANE Select); coding-DNA position 3879, C replaced by T.
Protein change: p.Ser1293=; no amino-acid change (serine 1293 retained).
Molecular consequence: synonymous variant.
Genome position (GRCh38, 1-based): chr12:49,049,709, G>A on the plus strand (C>T on the coding strand, the complement: KMT2D is on the minus strand). VCF-style: chr12-49049709-G-A. GRCh37 (hg19) VCF-style: chr12-49443492-G-A.
Identifiers: ClinVar variation 3036155 (VCV003036155.4), dbSNP rs1030706328, ClinGen allele CA236616344.
Genomic context (GRCh38, chr12:49,049,709, plus strand): 5'-CTAATCACATCCCGCAGCTAGATAGCCCCTCACCTGTTTGATGCGGGAACGGGCTGGGGA[G>A]CTGCGCCGCCGCCCCTTCTCCCCCTCAGCTTTGCCTCCGCTGATAGCTGTCCCAGCATCG-3'
Protein context (NP_003473.3, residues 1283-1303): KAEGEKGRRR[Ser1293=]SPARSRIKQG

ClinVar aggregate classification (germline): Likely benign. Review status: criteria provided, single submitter (1 of 4 stars). 2 submissions from 2 submitters: Likely benign (1). 1 of the submissions does not count toward it. Last evaluated 2024-12-17.

Conditions:
KMT2D-related disorder. Also called: KMT2D-Related Disorders.
Kabuki syndrome. Also called: Kabuki make-up syndrome; NIIKAWA-KUROKI SYNDROME. Identifiers: Orphanet 2322, MedGen C0796004, MONDO:0016512.

Allele frequency attached by ClinVar (database versions not stated): gnomAD exomes below 0.00001; TOPMed 0.00001; gnomAD 0.00002.
gnomAD v4.1: 5 of 1,596,868 alleles (0.00031%); highest among the groups gnomAD compares: African/African-American, 0.004%; no homozygotes.

Submissions (2):

Labcorp Genetics (formerly Invitae), Labcorp
Classification: Likely benign for Kabuki syndrome. Last evaluated: 2024-12-17. Review status: criteria provided, single submitter. Criteria: Invitae Variant Classification Sherloc (09022015). Collection method: clinical testing. Allele origin: germline.

PreventionGenetics, part of Exact Sciences
Classification: Likely benign for KMT2D-related condition. Last evaluated: 2022-03-10. Review status: no assertion criteria provided. Collection method: clinical testing. Allele origin: germline. Not counted in ClinVar's aggregate classification.
Comment: This variant is classified as likely benign based on ACMG/AMP sequence variant interpretation guidelines (Richards et al. 2015 PMID: 25741868, with internal and published modifications).